The following is an entry in ClinVar:

NM_001846.4(COL4A2):c.2090_2091del (p.Pro697fs)

Gene: COL4A2 (collagen type IV alpha 2 chain; plus strand). Cytogenetic location: 13q34.
Variant type: Deletion.
Coding change: c.2090_2091del on transcript NM_001846.4 (MANE Select); coding-DNA positions 2090 to 2091, 2 bases deleted (CC; older notation c.2090_2091delCC).
Protein change: p.Pro697fs; shifts the reading frame from proline 697.
Molecular consequence: frameshift variant.
Genome position (GRCh38, 1-based): chr13:110,467,091-110,467,092, CC deleted; deleting any 2 consecutive bases within chr13:110,467,089-110,467,092 gives the same sequence; the c. name uses the placement nearest the transcript's 3' end. VCF-style (leftmost placement, unchanged base first): chr13-110467088-GCC-G. GRCh37 (hg19) VCF-style: chr13-111119435-GCC-G.
Other names: short protein forms P697fs.
Identifiers: ClinVar variation 524004 (VCV000524004.2), dbSNP rs1555330957, ClinGen allele CA658798037.

ClinVar aggregate classification (germline): Uncertain significance (1 of 4 stars; one submission).

Submission:

GeneDx
Classification: Uncertain significance. Last evaluated: 2018-03-27. Review status: criteria provided, single submitter. Criteria: GeneDx Variant Classification (06012015). Collection method: clinical testing. Allele origin: germline. Affected: yes.
Comment: The c.2090_2091delCC variant has not been reported previously as a pathogenic variant nor as a benign variant, to our knowledge. The c.2090_2091delC variant causes a frameshift starting with codon Proline 697, changes this amino acid to a Histidine residue, and creates a premature Stop codon at position 16 of the new reading frame, denoted p.Pro697HisfsX16. This variant is predicted to cause loss of normal protein function either through protein truncation or nonsense-mediated mRNA decay, although loss-of-function is not a known mechanism of disease for the COL4A2 gene. The c.2090_2091delC variant is not observed in large population cohorts (Lek et al., 2016). Therefore, based on the currently available information, it is unclear whether this variant is a pathogenic variant or a rare benign variant.